The following is an entry in ClinVar:

NM_001184.4(ATR):c.2221T>G (p.Phe741Val)

Gene: ATR (ATR checkpoint kinase; minus strand). Cytogenetic location: 3q23.
Variant type: single nucleotide variant.
Coding change: c.2221T>G on transcript NM_001184.4 (MANE Select); coding-DNA position 2221, T replaced by G.
Protein change: p.Phe741Val; replaces phenylalanine 741 with valine.
Molecular consequence: missense variant.
Genome position (GRCh38, 1-based): chr3:142,555,997, A>C on the plus strand (T>G on the coding strand, the complement: ATR is on the minus strand). VCF-style: chr3-142555997-A-C. GRCh37 (hg19) VCF-style: chr3-142274839-A-C.
Other names: c.2029T>G, p.Phe677Val (NM_001354579.2); short protein forms F677V, F741V.
Identifiers: ClinVar variation 1787945 (VCV001787945.2), dbSNP rs2034656854, ClinGen allele CA354818732.

ClinVar aggregate classification (germline): Uncertain significance (1 of 4 stars; one submission).

Conditions:
Inborn genetic diseases. Identifiers: MedGen C0950123, MeSH D030342.

Submission:

Ambry Genetics
Classification: Uncertain significance for Inborn genetic diseases. Last evaluated: 2022-05-09. Review status: criteria provided, single submitter. Criteria: Ambry Variant Classification Scheme 2023. Collection method: clinical testing. Allele origin: germline.
Comment: The p.F741V variant (also known as c.2221T>G), located in coding exon 10 of the ATR gene, results from a T to G substitution at nucleotide position 2221. The phenylalanine at codon 741 is replaced by valine, an amino acid with highly similar properties. This amino acid position is conserved. In addition, this alteration is predicted to be tolerated by in silico analysis. Since supporting evidence is limited at this time, the clinical significance of this alteration remains unclear.